The following is an entry in ClinVar:

NM_000243.3(MEFV):c.704C>T (p.Ser235Leu)

Gene: MEFV (MEFV innate immunity regulator, pyrin; minus strand). Cytogenetic location: 16p13.3.
Variant type: single nucleotide variant.
Coding change: c.704C>T on transcript NM_000243.3 (MANE Select); coding-DNA position 704, C replaced by T.
Protein change: p.Ser235Leu; replaces serine 235 with leucine.
Molecular consequence: missense variant. On other transcripts: intron variant (1).
Genome position (GRCh38, 1-based): chr16:3,254,364, G>A on the plus strand (C>T on the coding strand, the complement: MEFV is on the minus strand). VCF-style: chr16-3254364-G-A. GRCh37 (hg19) VCF-style: chr16-3304364-G-A.
Other names: c.277+1947C>T (NM_001198536.2); short protein forms S235L.
Identifiers: ClinVar variation 1011790 (VCV001011790.11), dbSNP rs757793348, ClinGen allele CA7860348.

ClinVar aggregate classification (germline): Uncertain significance. Review status: criteria provided, multiple submitters, no conflicts (2 of 4 stars). 3 submissions from 3 submitters: Uncertain significance (2). 1 of the submissions does not count toward it. Last evaluated 2024-04-12.

Conditions:
Familial Mediterranean fever (FMF). Also called: POLYSEROSITIS, FAMILIAL PAROXYSMAL; POLYSEROSITIS, RECURRENT; Periodic peritonitis; Benign paroxysmal peritonitis. Identifiers: Orphanet 342, MedGen C0031069, MONDO:0018088, OMIM 249100. Disease mechanism: gain of function.
Acute febrile neutrophilic dermatosis (AFND). Also called: Sweet Syndrome; Gomm Button disease. Identifiers: Orphanet 3243, MedGen C0085077, MONDO:0011959, OMIM 608068.
Familial Mediterranean fever, autosomal dominant. Also called: Dominant Familial Mediterranean Fever; FMF, AUTOSOMAL DOMINANT. Identifiers: Orphanet 342, MedGen C1851347, MONDO:0007601, OMIM 134610.

Allele frequency attached by ClinVar (database versions not stated): TOPMed 0.00001; ExAC 0.00002; gnomAD 0.00001; gnomAD exomes 0.00001.
gnomAD v4.1: 28 of 1,614,054 alleles (0.0017%); highest among the groups gnomAD compares: Non-Finnish European, 0.0021%; no homozygotes.

Submissions (3):

Fulgent Genetics
Classification: Uncertain significance for Familial Mediterranean fever, autosomal dominant; Familial Mediterranean fever; Acute febrile neutrophilic dermatosis. Last evaluated: 2024-04-12. Review status: criteria provided, single submitter. Criteria: ACMG Guidelines, 2015. Collection method: clinical testing. Allele origin: germline.

Labcorp Genetics (formerly Invitae), Labcorp
Classification: Uncertain significance for Familial Mediterranean fever. Last evaluated: 2023-12-28. Review status: criteria provided, single submitter. Criteria: Invitae Variant Classification Sherloc (09022015). Collection method: clinical testing. Allele origin: germline.
Comment: This sequence change replaces serine, which is neutral and polar, with leucine, which is neutral and non-polar, at codon 235 of the MEFV protein (p.Ser235Leu). This variant is present in population databases (rs757793348, gnomAD 0.004%). This missense change has been observed in individual(s) with systemic autoinflammatory disease (PMID: 30783801). ClinVar contains an entry for this variant (Variation ID: 1011790). An algorithm developed to predict the effect of missense changes on protein structure and function (PolyPhen-2) suggests that this variant is likely to be disruptive. In summary, the available evidence is currently insufficient to determine the role of this variant in disease. Therefore, it has been classified as a Variant of Uncertain Significance.

Natera, Inc.
Classification: Uncertain significance for Familial Mediterranean fever. Last evaluated: 2021-03-25. Review status: no assertion criteria provided. Collection method: clinical testing. Allele origin: germline. Not counted in ClinVar's aggregate classification.

Literature cited by the submitters: PubMed 30783801 (cited by Labcorp Genetics (formerly Invitae), Labcorp).